The following is an entry in ClinVar:

NM_000443.4(ABCB4):c.1367A>C (p.Asp456Ala)

Gene: ABCB4 (ATP binding cassette subfamily B member 4; minus strand). Cytogenetic location: 7q21.12.
Variant type: single nucleotide variant.
Coding change: c.1367A>C on transcript NM_000443.4 (MANE Select); coding-DNA position 1367, A replaced by C.
Protein change: p.Asp456Ala; replaces aspartic acid 456 with alanine.
Molecular consequence: missense variant.
Genome position (GRCh38, 1-based): chr7:87,440,392, T>G on the plus strand (A>C on the coding strand, the complement: ABCB4 is on the minus strand). VCF-style: chr7-87440392-T-G. GRCh37 (hg19) VCF-style: chr7-87069708-T-G.
Other names: c.1367A>C (NM_000443.3); c.1367A>C, p.Asp456Ala (NM_018849.3, NM_018850.3); short protein forms D456A.
Identifiers: ClinVar variation 4896503 (VCV004896503.2).

ClinVar aggregate classification (germline): Uncertain significance. Review status: criteria provided, multiple submitters, no conflicts (2 of 4 stars). 2 submissions from 2 submitters: Uncertain significance (2). Last evaluated 2026-05-26.

Conditions:
ABCB4-related disorder. Also called: ABCB4-related disorders; ABCB4-related condition.

Submissions (2):

PreventionGenetics, part of Exact Sciences
Classification: Uncertain significance for ABCB4-related condition. Last evaluated: 2026-05-26. Review status: criteria provided, single submitter. Criteria: ACMG Guidelines, 2015. Collection method: clinical testing. Allele origin: germline.
Comment: The ABCB4 c.1367A>C variant is predicted to result in the amino acid substitution p.Asp456Ala. To our knowledge, this variant has not been reported in the literature or in a large population database (gnomAD), indicating this variant is rare. At this time, the clinical significance of this variant is uncertain due to the absence of conclusive functional and genetic evidence.

Blueprint Genetics
Classification: Uncertain significance. Last evaluated: 2023-12-14. Review status: criteria provided, single submitter. Criteria: ACMG Guidelines, 2015. Collection method: clinical testing. Allele origin: germline.